The following is an entry in ClinVar:

ClinVar aggregate classification (germline): Uncertain significance (1 of 4 stars; one submission).

Conditions:
Familial cold autoinflammatory syndrome 2 (FCAS2). Identifiers: Orphanet 247868, MedGen C2673198, MONDO:0012724, OMIM 611762.

Submission:

Labcorp Genetics (formerly Invitae), Labcorp
Classification: Uncertain significance for Familial cold autoinflammatory syndrome 2. Last evaluated: 2025-08-11. Review status: criteria provided, single submitter. Criteria: Invitae Variant Classification Sherloc (09022015). Collection method: clinical testing. Allele origin: germline.
Comment: This sequence change replaces valine, which is neutral and non-polar, with glutamic acid, which is acidic and polar, at codon 1052 of the NLRP12 protein (p.Val1052Glu). This variant is not present in population databases (gnomAD no frequency). This variant has not been reported in the literature in individuals affected with NLRP12-related conditions. An algorithm developed to predict the effect of missense changes on protein structure and function (PolyPhen-2) suggests that this variant is likely to be tolerated. In summary, the available evidence is currently insufficient to determine the role of this variant in disease. Therefore, it has been classified as a Variant of Uncertain Significance.

NM_144687.4(NLRP12):c.3155T>A (p.Val1052Glu)

Gene: NLRP12 (NLR family pyrin domain containing 12; minus strand). Cytogenetic location: 19q13.42.
Variant type: single nucleotide variant.
Coding change: c.3155T>A on transcript NM_144687.4 (MANE Select); coding-DNA position 3155, T replaced by A.
Protein change: p.Val1052Glu; replaces valine 1052 with glutamic acid.
Molecular consequence: missense variant.
Genome position (GRCh38, 1-based): chr19:53,794,080, A>T on the plus strand (T>A on the coding strand, the complement: NLRP12 is on the minus strand). VCF-style: chr19-53794080-A-T. GRCh37 (hg19) VCF-style: chr19-54297334-A-T.
Other names: c.3158T>A, p.Val1053Glu (NM_001277126.2); c.2984T>A, p.Val995Glu (NM_001277129.1); short protein forms V1053E, V995E, V1052E.
Identifiers: ClinVar variation 4724958 (VCV004724958.1).